The following is an entry in ClinVar:

NM_002109.6(HARS1):c.679T>G (p.Ser227Ala)

Gene: HARS1 (histidyl-tRNA synthetase 1; minus strand). Cytogenetic location: 5q31.3.
Variant type: single nucleotide variant.
Coding change: c.679T>G on transcript NM_002109.6 (MANE Select); coding-DNA position 679, T replaced by G.
Protein change: p.Ser227Ala; replaces serine 227 with alanine.
Molecular consequence: missense variant.
Genome position (GRCh38, 1-based): chr5:140,677,705, A>C on the plus strand (T>G on the coding strand, the complement: HARS1 is on the minus strand). VCF-style: chr5-140677705-A-C. GRCh37 (hg19) VCF-style: chr5-140057290-A-C.
Other names: c.559T>G, p.Ser187Ala (NM_001258040.3); c.619T>G, p.Ser207Ala (NM_001258041.3); c.499T>G, p.Ser167Ala (NM_001258042.3); c.457T>G, p.Ser153Ala (NM_001289092.2); c.337T>G, p.Ser113Ala (NM_001289093.2); c.592T>G, p.Ser198Ala (NM_001289094.2); short protein forms S227A, S113A, S167A, S198A, S207A, S153A, S187A.
Identifiers: ClinVar variation 576600 (VCV000576600.23), dbSNP rs768076848, ClinGen allele CA3444024.
Genomic context (GRCh38, chr5:140,677,705, plus strand): 5'-GGGTTGTTACCTTGTCCAGCTTGTCTACTGAGGAGCAGATGGTACGGAACTTGCTGTCAG[A>C]AACACCACAGATAGCAAACATCCCATCTAGAATGCGTCGATCGTTTACCTGCAAGGAACC-3'
Protein context (NP_002100.2, residues 217-237): LDGMFAICGV[Ser227Ala]DSKFRTICSS

ClinVar aggregate classification (germline): Conflicting classifications of pathogenicity. Review status: criteria provided, conflicting classifications (1 of 4 stars). 5 submissions from 5 submitters: Uncertain significance (2); Likely benign (3). Last evaluated 2026-01-18.

Conditions:
Usher syndrome type 3B. Also called: USHER SYNDROME, TYPE IIIB. Identifiers: MedGen C3281066, MONDO:0013788, OMIM 614504.

Allele frequency attached by ClinVar (database versions not stated): gnomAD exomes 0.00004 and 0.00013; ExAC 0.00005; gnomAD 0.00013 and 0.00014; TOPMed 0.00015.
gnomAD v4.1: 86 of 1,612,150 alleles (0.0053%); highest among the groups gnomAD compares: Admixed American, 0.095%; no homozygotes.

Submissions (5):

Labcorp Genetics (formerly Invitae), Labcorp
Classification: Likely benign for Usher syndrome type 3B. Last evaluated: 2026-01-18. Review status: criteria provided, single submitter. Criteria: Invitae Variant Classification Sherloc (09022015). Collection method: clinical testing. Allele origin: germline.

Blueprint Genetics
Classification: Uncertain significance. Last evaluated: 2024-10-08. Review status: criteria provided, single submitter. Criteria: ACMG Guidelines, 2015. Collection method: clinical testing. Allele origin: germline.

ARUP Laboratories, Molecular Genetics and Genomics, ARUP Laboratories
Classification: Uncertain significance. Last evaluated: 2024-04-19. Review status: criteria provided, single submitter. Criteria: ARUP Molecular Germline Variant Investigation Process 2024. Collection method: clinical testing. Allele origin: germline.
Comment: The HARS1 c.679T>G; p.Ser227Ala variant has been reported once in a CMT patient who carried a second variant of the same gene (Lupo 2016). This variant is found in the Latino population with an allele frequency of 0.09% (31/35,428 alleles) in the Genome Aggregation Database (v2.1.1) and has been reported to the ClinVar database (ClinVar ID: 576600). Computational analyses predict that this variant is neutral (REVEL: 0.145). However, given the lack of clinical and functional data, the significance of this variant is uncertain at this time. References: Lupo et al. Assessment of Targeted Next-Generation Sequencing as a Tool for the Diagnosis of Charcot-Marie-Tooth Disease and Hereditary Motor Neuropathy. J Mol Diagn. 2016 Mar;18(2):225-34. PMID: 26752306.

Ambry Genetics
Classification: Likely benign. Last evaluated: 2020-10-19. Review status: criteria provided, single submitter. Criteria: Ambry Variant Classification Scheme 2023. Collection method: clinical testing. Allele origin: germline.

GeneDx
Classification: Likely benign. Last evaluated: 2020-09-17. Review status: criteria provided, single submitter. Criteria: GeneDx Variant Classification Process June 2021. Collection method: clinical testing. Allele origin: germline. Affected: yes.
Comment: This variant is associated with the following publications: (PMID: 26752306, 29235198)